The following is an entry in ClinVar:

ClinVar aggregate classification (germline): Uncertain significance (1 of 4 stars; one submission).

Conditions:
Dilated cardiomyopathy 1AA (CMD1AA). Also called: CARDIOMYOPATHY, DILATED, 1AA, WITH OR WITHOUT LEFT VENTRICULAR NONCOMPACTION; CARDIOMYOPATHY, FAMILIAL HYPERTROPHIC, 23, WITH OR WITHOUT LEFT VENTRICULAR NONCOMPACTION; Cardiomyopathy, dilated, 1AA, with or without LVNC. Identifiers: Orphanet 154, MedGen C2677338, MONDO:0012808, OMIM 612158.
Primary familial hypertrophic cardiomyopathy (HCM). Identifiers: Orphanet 99739, MedGen C0949658, MeSH D024741, MONDO:0024573. Inheritance: Various modes of inheritance.

Allele frequency attached by ClinVar (database versions not stated): gnomAD 0.00001.
gnomAD v4.1: 1 of 1,614,060 alleles (0.000062%); highest among the groups gnomAD compares: South Asian, 0.0011%; no homozygotes.

Submission:

Labcorp Genetics (formerly Invitae), Labcorp
Classification: Uncertain significance for Primary familial hypertrophic cardiomyopathy; Dilated cardiomyopathy 1AA. Last evaluated: 2022-02-20. Review status: criteria provided, single submitter. Criteria: Invitae Variant Classification Sherloc (09022015). Collection method: clinical testing. Allele origin: germline.
Comment: In summary, the available evidence is currently insufficient to determine the role of this variant in disease. Therefore, it has been classified as a Variant of Uncertain Significance. Advanced modeling of protein sequence and biophysical properties (such as structural, functional, and spatial information, amino acid conservation, physicochemical variation, residue mobility, and thermodynamic stability) performed at Invitae indicates that this missense variant is not expected to disrupt ACTN2 protein function. This variant has not been reported in the literature in individuals affected with ACTN2-related conditions. This variant is not present in population databases (gnomAD no frequency). This sequence change replaces glutamine, which is neutral and polar, with arginine, which is basic and polar, at codon 58 of the ACTN2 protein (p.Gln58Arg).

NM_001103.4(ACTN2):c.173A>G (p.Gln58Arg)

Gene: ACTN2 (actinin alpha 2; plus strand). Cytogenetic location: 1q43.
Variant type: single nucleotide variant.
Coding change: c.173A>G on transcript NM_001103.4 (MANE Select); coding-DNA position 173, A replaced by G.
Protein change: p.Gln58Arg; replaces glutamine 58 with arginine.
Molecular consequence: missense variant. On other transcripts: 5 prime UTR variant (1).
Genome position (GRCh38, 1-based): chr1:236,717,904, A>G. VCF-style: chr1-236717904-A-G. GRCh37 (hg19) VCF-style: chr1-236881204-A-G.
Other names: c.173A>G, p.Gln58Arg (NM_001278343.2); c.-649A>G (NM_001278344.2); c.-774A>G (NM_001412150.1); short protein forms Q58R.
Identifiers: ClinVar variation 1966501 (VCV001966501.5), dbSNP rs1658268852, ClinGen allele CA345373272.